The following is an entry in ClinVar:

NM_005359.6(SMAD4):c.1160T>G (p.Val387Gly)

Gene: SMAD4 (SMAD family member 4; plus strand). Cytogenetic location: 18q21.2.
Variant type: single nucleotide variant.
Coding change: c.1160T>G on transcript NM_005359.6 (MANE Select); coding-DNA position 1160, T replaced by G.
Protein change: p.Val387Gly; replaces valine 387 with glycine.
Molecular consequence: missense variant.
Genome position (GRCh38, 1-based): chr18:51,067,039, T>G. VCF-style: chr18-51067039-T-G. GRCh37 (hg19) VCF-style: chr18-48593409-T-G.
Other names: short protein forms V387G.
Identifiers: ClinVar variation 935067 (VCV000935067.9), dbSNP rs1910179680, ClinGen allele CA402464748.

ClinVar aggregate classification (germline): Uncertain significance (1 of 4 stars; one submission).

Conditions:
Juvenile polyposis syndrome (JPS). Identifiers: Orphanet 2929, MedGen C0345893, MONDO:0017380, OMIM 174900.

Allele frequency attached by ClinVar (database versions not stated): gnomAD 0.00001.
gnomAD v4.1: 1 of 1,613,624 alleles (0.000062%); highest among the groups gnomAD compares: African/African-American, 0.0013%; no homozygotes.

Submission:

Labcorp Genetics (formerly Invitae), Labcorp
Classification: Uncertain significance for Juvenile polyposis syndrome. Last evaluated: 2022-01-28. Review status: criteria provided, single submitter. Criteria: Invitae Variant Classification Sherloc (09022015). Collection method: clinical testing. Allele origin: germline.
Comment: This sequence change replaces valine, which is neutral and non-polar, with glycine, which is neutral and non-polar, at codon 387 of the SMAD4 protein (p.Val387Gly). In summary, the available evidence is currently insufficient to determine the role of this variant in disease. Therefore, it has been classified as a Variant of Uncertain Significance. Advanced modeling of protein sequence and biophysical properties (such as structural, functional, and spatial information, amino acid conservation, physicochemical variation, residue mobility, and thermodynamic stability) performed at Invitae indicates that this missense variant is expected to disrupt SMAD4 protein function. ClinVar contains an entry for this variant (Variation ID: 935067). This variant has not been reported in the literature in individuals affected with SMAD4-related conditions. This variant is not present in population databases (gnomAD no frequency).